The following is an entry in ClinVar:

NM_052957.5(GCNA):c.1489G>A (p.Gly497Arg)

Gene: GCNA (germ cell nuclear acidic peptidase; plus strand). Cytogenetic location: Xq13.1.
Variant type: single nucleotide variant.
Coding change: c.1489G>A on transcript NM_052957.5 (MANE Select); coding-DNA position 1489, G replaced by A.
Protein change: p.Gly497Arg; replaces glycine 497 with arginine.
Molecular consequence: missense variant.
Genome position (GRCh38, 1-based): chrX:71,608,995, G>A. VCF-style: chrX-71608995-G-A. GRCh37 (hg19) VCF-style: chrX-70828845-G-A.
Other names: short protein forms G497R.
Identifiers: ClinVar variation 2660887 (VCV002660887.24), dbSNP rs2522907063, ClinGen allele CA413555781.

ClinVar aggregate classification (germline): Uncertain significance (1 of 4 stars; one submission).

Submission:

CeGaT Center for Human Genetics Tuebingen
Classification: Uncertain significance. Last evaluated: 2022-12-01. Review status: criteria provided, single submitter. Criteria: CeGaT Center For Human Genetics Tuebingen Variant Classification Criteria Version 2. Collection method: clinical testing. Allele origin: germline. Affected: yes. Observed: 1 variant allele.
Comment: GCNA: PM2, BP4